The following is an entry in ClinVar:

NM_021871.4(FGA):c.19G>T (p.Val7Phe)

Gene: FGA (fibrinogen alpha chain; minus strand). Cytogenetic location: 4q31.3.
Variant type: single nucleotide variant.
Coding change: c.19G>T on transcript NM_021871.4 (MANE Select); coding-DNA position 19, G replaced by T.
Protein change: p.Val7Phe; replaces valine 7 with phenylalanine.
Molecular consequence: missense variant.
Genome position (GRCh38, 1-based): chr4:154,590,669, C>A on the plus strand (G>T on the coding strand, the complement: FGA is on the minus strand). VCF-style: chr4-154590669-C-A. GRCh37 (hg19) VCF-style: chr4-155511821-C-A.
Other names: c.19G>T, p.Val7Phe (NM_000508.5); short protein forms V7F.
Identifiers: ClinVar variation 3895734 (VCV003895734.1).

ClinVar aggregate classification (germline): Uncertain significance (1 of 4 stars; one submission).

gnomAD v4.1: 33 of 1,558,150 alleles (0.0021%); highest among the groups gnomAD compares: South Asian, 0.033%; 1 homozygote.

Submission:

Women's Health and Genetics/Laboratory Corporation of America, LabCorp
Classification: Uncertain significance. Last evaluated: 2025-03-10. Review status: criteria provided, single submitter. Criteria: LabCorp Variant Classification Summary - May 2015. Collection method: clinical testing. Allele origin: germline.
Comment: Variant summary: FGA c.19G>T (p.Val7Phe) results in a non-conservative amino acid change in the encoded protein sequence. Four of five in-silico tools predict a benign effect of the variant on protein function. The variant allele was found at a frequency of 6.6e-05 in 166310 control chromosomes. This frequency is not significantly higher than estimated for a pathogenic variant in FGA causing Dysfibrinogenemia, Congenital, allowing no conclusion about variant significance. To our knowledge, no occurrence of c.19G>T in individuals affected with Dysfibrinogenemia, Congenital and no experimental evidence demonstrating its impact on protein function have been reported. No submitters have cited clinical-significance assessments for this variant to ClinVar. Based on the evidence outlined above, the variant was classified as uncertain significance.